The following is an entry in ClinVar:

ClinVar aggregate classification (germline): Likely benign. Review status: criteria provided, single submitter (1 of 4 stars). 2 submissions from 2 submitters: Likely benign (1). 1 of the submissions does not count toward it. Last evaluated 2024-09-11.

Conditions:
PRKD1-related disorder. Also called: PRKD1-related condition.

Allele frequency attached by ClinVar (database versions not stated): TOPMed 0.00003; gnomAD 0.00015; gnomAD exomes 0.00028; ExAC 0.00063; 1000 Genomes Project 0.00140; 1000 Genomes Project 30x 0.00156.
gnomAD v4.1: 426 of 1,613,708 alleles (0.026%); highest among the groups gnomAD compares: South Asian, 0.44%; 4 homozygotes.

Submissions (2):

Blueprint Genetics
Classification: Likely benign. Last evaluated: 2024-09-11. Review status: criteria provided, single submitter. Criteria: ACMG Guidelines, 2015. Collection method: clinical testing. Allele origin: germline.

PreventionGenetics, part of Exact Sciences
Classification: Likely benign for PRKD1-related condition. Last evaluated: 2019-06-19. Review status: no assertion criteria provided. Collection method: clinical testing. Allele origin: germline. Not counted in ClinVar's aggregate classification.
Comment: This variant is classified as likely benign based on ACMG/AMP sequence variant interpretation guidelines (Richards et al. 2015 PMID: 25741868, with internal and published modifications).

NM_002742.3(PRKD1):c.2564T>A (p.Ile855Asn)

Gene: PRKD1 (protein kinase D1; minus strand). Cytogenetic location: 14q12.
Variant type: single nucleotide variant.
Coding change: c.2564T>A on transcript NM_002742.3 (MANE Select); coding-DNA position 2564, T replaced by A.
Protein change: p.Ile855Asn; replaces isoleucine 855 with asparagine.
Molecular consequence: missense variant.
Genome position (GRCh38, 1-based): chr14:29,577,413, A>T on the plus strand (T>A on the coding strand, the complement: PRKD1 is on the minus strand). VCF-style: chr14-29577413-A-T. GRCh37 (hg19) VCF-style: chr14-30046619-A-T.
Other names: c.2588T>A, p.Ile863Asn (NM_001330069.2); c.2300T>A, p.Ile767Asn (NM_001348390.1); short protein forms I767N, I855N, I863N.
Identifiers: ClinVar variation 3042646 (VCV003042646.3), dbSNP rs569529923, ClinGen allele CA7140846.